The following is an entry in ClinVar:

NM_024598.4(USB1):c.693G>A (p.Gln231=)

Gene: USB1 (U6 snRNA biogenesis phosphodiesterase 1; plus strand). Cytogenetic location: 16q21.
Variant type: single nucleotide variant.
Coding change: c.693G>A on transcript NM_024598.4 (MANE Select); coding-DNA position 693, G replaced by A.
Protein change: p.Gln231=; no amino-acid change (glutamine 231 retained).
Molecular consequence: synonymous variant.
Genome position (GRCh38, 1-based): chr16:58,019,055, G>A. VCF-style: chr16-58019055-G-A. GRCh37 (hg19) VCF-style: chr16-58052959-G-A.
Other names: c.639G>A, p.Gln213= (NM_001195302.2); c.540G>A, p.Gln180= (NM_001330568.2).
Identifiers: ClinVar variation 1353061 (VCV001353061.3), dbSNP rs770883144, ClinGen allele CA8085010.

ClinVar aggregate classification (germline): Uncertain significance (1 of 4 stars; one submission).

Allele frequency attached by ClinVar (database versions not stated): gnomAD 0.00001; gnomAD exomes 0.00005 and 0.00006; ExAC 0.00007.
gnomAD v4.1: 74 of 1,614,014 alleles (0.0046%); highest among the groups gnomAD compares: South Asian, 0.052%; 1 homozygote.

Submission:

Labcorp Genetics (formerly Invitae), Labcorp
Classification: Uncertain significance. Last evaluated: 2021-08-04. Review status: criteria provided, single submitter. Criteria: Invitae Variant Classification Sherloc (09022015). Collection method: clinical testing. Allele origin: germline.
Comment: This sequence change affects codon 231 of the USB1 mRNA. It is a 'silent' change, meaning that it does not change the encoded amino acid sequence of the USB1 protein. This variant also falls at the last nucleotide of exon 6, which is part of the consensus splice site for this exon. This variant is present in population databases (rs770883144, ExAC 0.05%). This variant has not been reported in the literature in individuals affected with USB1-related conditions. Variants that disrupt the consensus splice site are a relatively common cause of aberrant splicing (PMID: 17576681, 9536098). Algorithms developed to predict the effect of sequence changes on RNA splicing suggest that this variant may disrupt the consensus splice site. In summary, the available evidence is currently insufficient to determine the role of this variant in disease. Therefore, it has been classified as a Variant of Uncertain Significance.

Literature cited by the submitters: PubMed 17576681; PubMed 9536098.